The following is an entry in ClinVar:

ClinVar aggregate classification (germline): Pathogenic/Likely pathogenic. Review status: criteria provided, multiple submitters, no conflicts (2 of 4 stars). 3 submissions from 3 submitters: Pathogenic (2); Likely pathogenic (1). Last evaluated 2025-07-01.

Conditions:
Arthrogryposis multiplex congenita 6. Identifiers: MedGen C5543431, MONDO:0030281, OMIM 619334.
Nemaline myopathy. Also called: Myopathies, Nemaline. Identifiers: Orphanet 607, MedGen C0206157, MONDO:0018958.
Nemaline myopathy 2 (NEM2). Also called: Nemaline myopathy 2, autosomal recessive. Identifiers: MedGen C1850569, MONDO:0009725, OMIM 256030.

Submissions (3):

Labcorp Genetics (formerly Invitae), Labcorp
Classification: Pathogenic for Nemaline myopathy 2. Last evaluated: 2025-07-01. Review status: criteria provided, single submitter. Criteria: Invitae Variant Classification Sherloc (09022015). Collection method: clinical testing. Allele origin: germline.
Comment: This sequence change creates a premature translational stop signal (p.Ser45Thrfs*48) in the NEB gene. It is expected to result in an absent or disrupted protein product. Loss-of-function variants in NEB are known to be pathogenic (PMID: 25205138). This variant is present in population databases (no rsID available, gnomAD 0.06%). This variant has not been reported in the literature in individuals affected with NEB-related conditions. ClinVar contains an entry for this variant (Variation ID: 1072759). For these reasons, this variant has been classified as Pathogenic.

Broad Center for Mendelian Genomics, Broad Institute of MIT and Harvard
Classification: Pathogenic for Nemaline myopathy. Last evaluated: 2025-03-24. Review status: criteria provided, single submitter. Criteria: ACMG Guidelines, 2015. Collection method: curation. Allele origin: germline. Inheritance: Autosomal recessive inheritance.
Comment: The p.Ser45ThrfsTer48 variant in NEB has been reported, in the compound heterozygous state, in one individual with nemaline myopathy (PMID: 36360323), and has been identified in 0.004% (2/44840) of East Asian chromosomes by the Genome Aggregation Database (gnomAD; dbSNP ID: rs1321522421). Although this variant has been seen in the general population in a heterozygous state, its frequency is low enough to be consistent with a recessive carrier frequency. This variant has also been reported in ClinVar (Variation ID: 1072759) and has been interpreted as pathogenic by Invitae. This variant is predicted to cause a frameshift, which alters the protein‚Äôs amino acid sequence beginning at position 45 and leads to a premature termination codon 48 amino acids downstream. This alteration is then predicted to lead to a truncated or absent protein. Loss of function of the NEB gene is an established disease mechanism in autosomal recessive nemaline myopathy. In summary, this variant meets criteria to be classified as pathogenic for autosomal recessive nemaline myopathy. ACMG/AMP Criteria applied: PVS1, PM3, PM2_supporting (Richards 2015).

Baylor Genetics
Classification: Likely pathogenic for Arthrogryposis multiplex congenita 6. Last evaluated: 2024-03-26. Review status: criteria provided, single submitter. Criteria: ACMG Guidelines, 2015. Collection method: clinical testing. Allele origin: unknown.

Literature cited by the submitters: PubMed 25205138 (cited by Labcorp Genetics (formerly Invitae), Labcorp).

NM_001164508.2(NEB):c.133_146del (p.Ser45fs)

Gene: NEB (nebulin; minus strand). Cytogenetic location: 2q23.3.
Variant type: Deletion.
Coding change: c.133_146del on transcript NM_001164508.2 (MANE Select); coding-DNA positions 133 to 146, 14 bases deleted (TCAGAAACTTCCAA).
Protein change: p.Ser45fs; shifts the reading frame from serine 45.
Molecular consequence: frameshift variant.
Genome position (GRCh38, 1-based): chr2:151,727,839-151,727,852, TTGGAAGTTTCTGA deleted on the plus strand (TCAGAAACTTCCAA on the coding strand, the reverse complement: NEB is on the minus strand); deleting any 14 consecutive bases within chr2:151,727,839-151,727,855 gives the same sequence; the c. name uses the placement nearest the transcript's 3' end. VCF-style (leftmost placement, unchanged base first): chr2-151727838-TTTGGAAGTTTCTGA-T. GRCh37 (hg19) VCF-style: chr2-152584352-TTTGGAAGTTTCTGA-T.
Other names: NM_001164508.2(NEB):c.133_146del; p.Ser45fs; c.133_146del (NM_001271208.1); c.133_146del, p.Ser45fs (NM_001164507.2, NM_001271208.2, NM_004543.5); short protein forms S45fs.
Identifiers: ClinVar variation 1072759 (VCV001072759.10), dbSNP rs1321522421, ClinGen allele CA537030841.